The following is an entry in ClinVar:

ClinVar aggregate classification (germline): Uncertain significance (1 of 4 stars; one submission).

Conditions:
Hereditary cancer-predisposing syndrome. Also called: Neoplastic Syndromes, Hereditary; Tumor predisposition; Hereditary neoplastic syndrome; Hereditary Cancer Syndrome. Identifiers: Orphanet 140162, MedGen C0027672, MeSH D009386, MONDO:0015356.

Submission:

Ambry Genetics
Classification: Uncertain significance for Hereditary cancer-predisposing syndrome. Last evaluated: 2023-02-10. Review status: criteria provided, single submitter. Criteria: Ambry Variant Classification Scheme 2023. Collection method: clinical testing. Allele origin: germline.
Comment: The p.S3303N variant (also known as c.9908G>A), located in coding exon 26 of the BRCA2 gene, results from a G to A substitution at nucleotide position 9908. The serine at codon 3303 is replaced by asparagine, an amino acid with highly similar properties. This amino acid position is conserved. In addition, this alteration is predicted to be tolerated by in silico analysis. Since supporting evidence is limited at this time, the clinical significance of this alteration remains unclear.

NM_000059.4(BRCA2):c.9908G>A (p.Ser3303Asn)

Gene: BRCA2 (BRCA2 DNA repair associated; plus strand). Cytogenetic location: 13q13.1.
Variant type: single nucleotide variant.
Coding change: c.9908G>A on transcript NM_000059.4 (MANE Select); coding-DNA position 9908, G replaced by A.
Protein change: p.Ser3303Asn; replaces serine 3303 with asparagine.
Molecular consequence: missense variant. On other transcripts: non-coding transcript variant (1).
Genome position (GRCh38, 1-based): chr13:32,398,421, G>A. VCF-style: chr13-32398421-G-A. GRCh37 (hg19) VCF-style: chr13-32972558-G-A.
Other names: c.9812G>A, p.Ser3271Asn (NM_001406719.1); c.9857G>A, p.Ser3286Asn (NM_001406720.1); c.4976G>A, p.Ser1659Asn (NM_001406721.1); c.3491G>A, p.Ser1164Asn (NM_001406722.1); short protein forms S1659N, S3271N, S3303N, S1164N, S3286N.
Identifiers: ClinVar variation 2451561 (VCV002451561.2), dbSNP rs2137664919, ClinGen allele CA387766975.